The following is an entry in ClinVar:

ClinVar aggregate classification (germline): Pathogenic. Review status: criteria provided, multiple submitters, no conflicts (2 of 4 stars). 3 submissions from 3 submitters: Pathogenic (2). 1 of the submissions does not count toward it. Last evaluated 2025-11-12.

Conditions:
Familial cancer of breast. Also called: hereditary breast carcinoma; BREAST CANCER, FAMILIAL; Hereditary breast cancer. Identifiers: Orphanet 227535, MedGen C0346153, MONDO:0016419, OMIM 114480. Disease mechanism: loss of function.
Ataxia-telangiectasia syndrome (AT). Also called: ATAXIA-TELANGIECTASIA, COMPLEMENTATION GROUP A; ATAXIA-TELANGIECTASIA, FRESNO VARIANT; Ataxia-telangiectasia, complementation group E; Ataxia telangiectasia (A-T); LOUIS-BAR SYNDROME; Cerebello-oculocutaneous telangiectasia. Identifiers: Orphanet 100, MedGen C0004135, MONDO:0008840, OMIM 208900.
Hereditary cancer-predisposing syndrome. Also called: Neoplastic Syndromes, Hereditary; Hereditary Cancer Syndrome; Hereditary neoplastic syndrome; Tumor predisposition. Identifiers: Orphanet 140162, MedGen C0027672, MeSH D009386, MONDO:0015356.

Submissions (3):

Ambry Genetics
Classification: Pathogenic for Hereditary cancer-predisposing syndrome. Last evaluated: 2025-11-12. Review status: criteria provided, single submitter. Criteria: Ambry Variant Classification Scheme 2023. Collection method: clinical testing. Allele origin: germline.
Comment: The c.510_511delGT pathogenic mutation, located in coding exon 5 of the ATM gene, results from a deletion of two nucleotides at nucleotide positions 510 to 511, causing a translational frameshift with a predicted alternate stop codon (p.Y171Lfs*13). This alteration was reported in trans with another ATM mutation in an individual with atypical A-T; of note, this individual also had a duplication of 19q12 (Bartsch O et al. Eur J Med Genet. 2012 Jan;55:49-55). This variant is considered to be rare based on population cohorts in the Genome Aggregation Database (gnomAD). In addition to the clinical data presented in the literature, this alteration is expected to result in loss of function by premature protein truncation or nonsense-mediated mRNA decay. As such, this alteration is interpreted as a disease-causing mutation.

Myriad Genetics, Inc.
Classification: Pathogenic for Familial cancer of breast. Last evaluated: 2024-01-09. Review status: criteria provided, single submitter. Criteria: Myriad Autosomal Dominant, Autosomal Recessive and X-Linked Classification Criteria (2023). Collection method: clinical testing. Allele origin: unknown.
Comment: This variant is considered pathogenic. This variant creates a frameshift predicted to result in premature protein truncation.

Natera, Inc.
Classification: Pathogenic for Ataxia-telangiectasia. Last evaluated: 2021-10-07. Review status: no assertion criteria provided. Collection method: clinical testing. Allele origin: germline. Not counted in ClinVar's aggregate classification.

Literature cited by the submitters: PubMed 21893220 (cited by Ambry Genetics).

NM_000051.4(ATM):c.510_511del (p.Tyr171fs)

Gene: ATM (ATM serine/threonine kinase; plus strand). Cytogenetic location: 11q22.3.
Variant type: Microsatellite.
Coding change: c.510_511del on transcript NM_000051.4 (MANE Select); coding-DNA positions 510 to 511, 2 bases deleted (GT; older notation c.510_511delGT).
Protein change: p.Tyr171fs; shifts the reading frame from tyrosine 171.
Molecular consequence: frameshift variant.
Genome position (GRCh38, 1-based): chr11:108,243,966-108,243,967, GT deleted; deleting any 2 consecutive bases within chr11:108,243,963-108,243,967 gives the same sequence; the c. name uses the placement nearest the transcript's 3' end. VCF-style (leftmost placement, unchanged base first): chr11-108243962-CTG-C. GRCh37 (hg19) VCF-style: chr11-108114689-CTG-C.
Other names: c.510_511del, p.Tyr171fs (NM_001351834.2); short protein forms Y171fs.
Identifiers: ClinVar variation 825448 (VCV000825448.6), dbSNP rs1591499665, ClinGen allele CA915947716.